The following is an entry in ClinVar:

NM_001002755.4(NFU1):c.62+80T>C

Gene: NFU1 (NFU1 iron-sulfur cluster scaffold; minus strand). Cytogenetic location: 2p13.3.
Variant type: single nucleotide variant.
Coding change: c.62+80T>C on transcript NM_001002755.4 (MANE Select); 80 bases into the intron after coding-DNA position 62, T replaced by C.
Molecular consequence: intron variant. On other transcripts: 5 prime UTR variant (2).
Genome position (GRCh38, 1-based): chr2:69,437,281, A>G on the plus strand (T>C on the coding strand, the complement: NFU1 is on the minus strand). VCF-style: chr2-69437281-A-G. GRCh37 (hg19) VCF-style: chr2-69664413-A-G.
Other names: alt transcript; c.-236T>C (NM_001002756.2); c.-21T>C (NM_015700.4); c.-11+772T>C (NM_001374284.1).
Identifiers: ClinVar variation 138519 (VCV000138519.2), dbSNP rs6758700, ClinGen allele CA292537.

ClinVar aggregate classification (germline): Benign. Review status: criteria provided, multiple submitters, no conflicts (2 of 4 stars). 2 submissions from 2 submitters: Benign (2). Last evaluated 2013-11-14.

Allele frequency attached by ClinVar (database versions not stated): gnomAD 0.02480 and 0.02093; TOPMed 0.02515; 1000 Genomes Project 30x 0.06683; gnomAD exomes 0.01368; 1000 Genomes Project 0.07169.
gnomAD v4.1: 23,368 of 1,540,994 alleles (1.5%); highest among the groups gnomAD compares: East Asian, 19%; 1,362 homozygotes.

Submissions (2):

GeneDx
Classification: Benign. Last evaluated: 2013-11-14. Review status: criteria provided, single submitter. Criteria: GeneDx Variant Classification (06012015). Collection method: clinical testing. Allele origin: germline. Affected: yes.
Comment: This variant is considered likely benign or benign based on one or more of the following criteria: it is a conservative change, it occurs at a poorly conserved position in the protein, it is predicted to be benign by multiple in silico algorithms, and/or has population frequency not consistent with disease.

Breakthrough Genomics
Classification: Benign. Review status: criteria provided, single submitter. Criteria: ACMG Guidelines, 2015. Collection method: not provided. Allele origin: germline. Inheritance: Autosomal recessive inheritance. Affected: yes.